The following is an entry in ClinVar:

ClinVar aggregate classification (germline): Uncertain significance (1 of 4 stars; one submission).

Conditions:
Hereditary cancer-predisposing syndrome. Also called: Hereditary neoplastic syndrome; Neoplastic Syndromes, Hereditary; Tumor predisposition; Hereditary Cancer Syndrome. Identifiers: Orphanet 140162, MedGen C0027672, MeSH D009386, MONDO:0015356.

Submission:

Ambry Genetics
Classification: Uncertain significance for Hereditary cancer-predisposing syndrome. Last evaluated: 2025-04-16. Review status: criteria provided, single submitter. Criteria: Ambry Variant Classification Scheme 2023. Collection method: clinical testing. Allele origin: germline.
Comment: The c.380-2979A>G intronic variant results from an A to G substitution 2979 nucleotides upstream from coding exon 4 in the BRIP1 gene. This nucleotide position is highly conserved in available vertebrate species. In silico splice site analysis predicts that this alteration may result in the creation or strengthening of a novel splice donor site. RNA studies have demonstrated that this alteration results in a splice defect; the clinical impact of this abnormal splicing is unknown at this time (Ambry internal data). Based on the available evidence, the clinical significance of this variant remains unclear.

NM_032043.3(BRIP1):c.380-2979A>G

Gene: BRIP1 (BRCA1 interacting DNA helicase 1; minus strand). Cytogenetic location: 17q23.2.
Variant type: single nucleotide variant.
Coding change: c.380-2979A>G on transcript NM_032043.3 (MANE Select); 2979 bases into the intron before coding-DNA position 380, A replaced by G.
Molecular consequence: intron variant.
Genome position (GRCh38, 1-based): chr17:61,852,235, T>C on the plus strand (A>G on the coding strand, the complement: BRIP1 is on the minus strand). VCF-style: chr17-61852235-T-C. GRCh37 (hg19) VCF-style: chr17-59929596-T-C.
Identifiers: ClinVar variation 3825697 (VCV003825697.2).